The following is an entry in ClinVar:

ClinVar aggregate classification (germline): Uncertain significance. Review status: criteria provided, multiple submitters, no conflicts (2 of 4 stars). 3 submissions from 3 submitters: Uncertain significance (3). Last evaluated 2025-04-09.

Conditions:
Revesz syndrome. Also called: EXUDATIVE RETINOPATHY WITH BONE MARROW FAILURE; DYSKERATOSIS CONGENITA, AUTOSOMAL DOMINANT 5. Identifiers: Orphanet 3088, MedGen C1327916, MONDO:0009990, OMIM 268130.
Dyskeratosis congenita, autosomal dominant 3. Identifiers: MedGen C3151445, MONDO:0013522, OMIM 613990.
Dyskeratosis congenita. Identifiers: Orphanet 1775, MedGen C0265965, MONDO:0015780.

Allele frequency attached by ClinVar (database versions not stated): gnomAD 0.00001; gnomAD exomes 0.00001 and 0.00002; TOPMed 0.00001; ExAC 0.00003.
gnomAD v4.1: 10 of 1,614,130 alleles (0.00062%); highest among the groups gnomAD compares: Non-Finnish European, 0.00076%; no homozygotes.

Submissions (3):

Department of Clinical Genetics, Copenhagen University Hospital, Rigshospitalet
Classification: Uncertain significance for Dyskeratosis congenita. Last evaluated: 2025-04-09. Review status: criteria provided, single submitter. Criteria: ACMG Guidelines, 2015. Collection method: clinical testing. Allele origin: germline.
Comment: Insufficient evidence to determine the role of this variant in disease.

Fulgent Genetics
Classification: Uncertain significance for Revesz syndrome; Dyskeratosis congenita, autosomal dominant 3. Last evaluated: 2024-03-07. Review status: criteria provided, single submitter. Criteria: ACMG Guidelines, 2015. Collection method: clinical testing. Allele origin: germline.

Labcorp Genetics (formerly Invitae), Labcorp
Classification: Uncertain significance for Dyskeratosis congenita. Last evaluated: 2021-02-15. Review status: criteria provided, single submitter. Criteria: Invitae Variant Classification Sherloc (09022015). Collection method: clinical testing. Allele origin: germline.
Comment: In summary, the available evidence is currently insufficient to determine the role of this variant in disease. Therefore, it has been classified as a Variant of Uncertain Significance. Algorithms developed to predict the effect of missense changes on protein structure and function are either unavailable or do not agree on the potential impact of this missense change (SIFT: "Deleterious"; PolyPhen-2: "Benign"; Align-GVGD: "Class C25"). This variant has not been reported in the literature in individuals with TINF2-related conditions. This variant is present in population databases (rs753814680, ExAC 0.006%). This sequence change replaces arginine with glycine at codon 56 of the TINF2 protein (p.Arg56Gly). The arginine residue is highly conserved and there is a moderate physicochemical difference between arginine and glycine.

NM_001099274.3(TINF2):c.166C>G (p.Arg56Gly)

Genes: TINF2 (TERF1 interacting nuclear factor 2; minus strand), LOC130055403 (ATAC-STARR-seq lymphoblastoid active region 8199; plus strand). Cytogenetic location: 14q12.
Variant type: single nucleotide variant.
Coding change: c.166C>G on transcript NM_001099274.3 (MANE Select); coding-DNA position 166, C replaced by G.
Protein change: p.Arg56Gly; replaces arginine 56 with glycine.
Molecular consequence: missense variant.
Genome position (GRCh38, 1-based): chr14:24,242,167, G>C on the plus strand (C>G on the coding strand, the complement: TINF2 is on the minus strand). VCF-style: chr14-24242167-G-C. GRCh37 (hg19) VCF-style: chr14-24711373-G-C.
Other names: c.166C>G, p.Arg56Gly (NM_001363668.2, NM_012461.3); short protein forms R56G.
Identifiers: ClinVar variation 1422121 (VCV001422121.10), dbSNP rs753814680, ClinGen allele CA7130747.